The following is an entry in ClinVar:

ClinVar aggregate classification (germline): Uncertain significance (1 of 4 stars; one submission).

Conditions:
Hypertrophic cardiomyopathy. Also called: HYPERTROPHIC MYOCARDIOPATHY. Identifiers: Orphanet 217569, MedGen C0007194, MeSH D002312, MONDO:0005045, HP:0001639.

Submission:

Labcorp Genetics (formerly Invitae), Labcorp
Classification: Uncertain significance for Hypertrophic cardiomyopathy. Last evaluated: 2025-11-06. Review status: criteria provided, single submitter. Criteria: Invitae Variant Classification Sherloc (09022015). Collection method: clinical testing. Allele origin: germline.
Comment: This sequence change replaces glutamic acid, which is acidic and polar, with lysine, which is basic and polar, at codon 165 of the TNNI3 protein (p.Glu165Lys). This variant is not present in population databases (gnomAD no frequency). This variant has not been reported in the literature in individuals affected with TNNI3-related conditions. ClinVar contains an entry for this variant (Variation ID: 3657620). An algorithm developed to predict the effect of missense changes on protein structure and function (PolyPhen-2) suggests that this variant is likely to be tolerated. In summary, the available evidence is currently insufficient to determine the role of this variant in disease. Therefore, it has been classified as a Variant of Uncertain Significance.

NM_000363.5(TNNI3):c.493G>A (p.Glu165Lys)

Gene: TNNI3 (troponin I3, cardiac type; minus strand). Cytogenetic location: 19q13.42.
Variant type: single nucleotide variant.
Coding change: c.493G>A on transcript NM_000363.5 (MANE Select); coding-DNA position 493, G replaced by A.
Protein change: p.Glu165Lys; replaces glutamic acid 165 with lysine.
Molecular consequence: missense variant.
Genome position (GRCh38, 1-based): chr19:55,154,086, C>T on the plus strand (G>A on the coding strand, the complement: TNNI3 is on the minus strand). VCF-style: chr19-55154086-C-T. GRCh37 (hg19) VCF-style: chr19-55665454-C-T.
Other names: short protein forms E165K.
Identifiers: ClinVar variation 3657620 (VCV003657620.2).